The following is an entry in ClinVar:

NM_014049.5(ACAD9):c.1358+329A>G

Gene: ACAD9 (acyl-CoA dehydrogenase family member 9; plus strand). Cytogenetic location: 3q21.3.
Variant type: single nucleotide variant.
Coding change: c.1358+329A>G on transcript NM_014049.5 (MANE Select); 329 bases into the intron after coding-DNA position 1358, A replaced by G.
Molecular consequence: intron variant.
Genome position (GRCh38, 1-based): chr3:128,908,593, A>G. VCF-style: chr3-128908593-A-G. GRCh37 (hg19) VCF-style: chr3-128627436-A-G.
Other names: c.989+329A>G (NM_001410805.1).
Identifiers: ClinVar variation 4857592 (VCV004857592.1).
Genomic context (GRCh38, chr3:128,908,593, plus strand): 5'-TTTTTCAGAACCTGAAGAATGAGAGGTGTCCCTTTAAAGGTGCCAGGCCTCACAGCCAAC[A>G]TAAGCCAGTGTTTCTCTTCTCTGCCCTTCTTCCCCTCATGCTCCCCTCCACCCCCACCCT-3'

ClinVar aggregate classification (germline): Pathogenic (1 of 4 stars; one submission).

Conditions:
Acyl-CoA dehydrogenase 9 deficiency. Also called: Acyl-CoA dehydrogenase family, member 9, deficiency of; MITOCHONDRIAL COMPLEX I DEFICIENCY, NUCLEAR TYPE 20. Identifiers: Orphanet 99901, MedGen C4747517, MONDO:0012624, OMIM 611126.

gnomAD v4.1: 1 of 550,332 alleles (0.00018%); highest among the groups gnomAD compares: South Asian, 0.002%; no homozygotes.

Submission:

Laboratory of Molecular Genetics, CHU Rennes
Classification: Pathogenic for Acyl-CoA dehydrogenase 9 deficiency. Last evaluated: 2024-09-09. Review status: criteria provided, single submitter. Criteria: ACMG Guidelines, 2015. Collection method: clinical testing. Allele origin: maternal. Inheritance: Autosomal recessive inheritance. Affected: yes.
Comment: The NM_014049.5:c.1358+329A>G deep intronic variant induces an alteration of splicing by creating a strong donor site in intron 13, which leads to a neo-exon of 70 nucleotides (r.1358+259_1358+328ins), flanked by the consensus splicing sites AG (unmasking a cryptic acceptor site in c.1358+257_1358+258) and GU in c.1358+329_1358+330. The retention of these 70 intronic nucleotides in the mature messenger RNA leads to the insertion of 8 amino acids after Ile452, before a stop codon appears, hence the very likely synthesis of a truncated protein(p.Ile452_His453insX9).